The following is an entry in ClinVar:

ClinVar aggregate classification (germline): Uncertain significance. Review status: criteria provided, multiple submitters, no conflicts (2 of 4 stars). 5 submissions from 5 submitters: Uncertain significance (5). Last evaluated 2026-04-06.

Conditions:
Farber lipogranulomatosis (FRBRL). Also called: Farber's disease; Farber disease; Farber's lipogranulomatosis; AC DEFICIENCY; ACID CERAMIDASE DEFICIENCY; CERAMIDASE DEFICIENCY. Identifiers: Orphanet 333, MedGen C0268255, MONDO:0009218, OMIM 228000.

Allele frequency attached by ClinVar (database versions not stated): ESP Exome Variant Server 0.00008; TOPMed 0.00012; 1000 Genomes Project 30x 0.00016; 1000 Genomes Project 0.00020; ExAC 0.00021; gnomAD 0.00031 and 0.00033.
gnomAD v4.1: 276 of 1,589,910 alleles (0.017%); highest among the groups gnomAD compares: Non-Finnish European, 0.019%; 1 homozygote.

Submissions (5):

GeneDx
Classification: Uncertain significance. Last evaluated: 2026-04-06. Review status: criteria provided, single submitter. Criteria: GeneDx Variant Classification Process June 2021. Collection method: clinical testing. Allele origin: germline.
Comment: In silico analysis suggests that this missense variant does not alter protein structure/function; Has not been previously published as pathogenic or benign to our knowledge; This variant is associated with the following publications: (PMID: 30019023)

Mayo Clinic Laboratories, Mayo Clinic
Classification: Uncertain significance. Last evaluated: 2025-06-09. Review status: criteria provided, single submitter. Criteria: ACMG Guidelines, 2015. Collection method: clinical testing. Allele origin: germline. Observed: 3 variant alleles.
Comment: BP4

Blueprint Genetics
Classification: Uncertain significance. Last evaluated: 2024-10-22. Review status: criteria provided, single submitter. Criteria: ACMG Guidelines, 2015. Collection method: clinical testing. Allele origin: germline.

Labcorp Genetics (formerly Invitae), Labcorp
Classification: Uncertain significance. Last evaluated: 2022-09-27. Review status: criteria provided, single submitter. Criteria: Invitae Variant Classification Sherloc (09022015). Collection method: clinical testing. Allele origin: germline.
Comment: This sequence change replaces alanine, which is neutral and non-polar, with threonine, which is neutral and polar, at codon 121 of the ASAH1 protein (p.Ala121Thr). This variant is present in population databases (rs146531900, gnomAD 0.05%). This variant has not been reported in the literature in individuals affected with ASAH1-related conditions. ClinVar contains an entry for this variant (Variation ID: 362382). Advanced modeling of protein sequence and biophysical properties (such as structural, functional, and spatial information, amino acid conservation, physicochemical variation, residue mobility, and thermodynamic stability) performed at Invitae indicates that this missense variant is not expected to disrupt ASAH1 protein function. In summary, the available evidence is currently insufficient to determine the role of this variant in disease. Therefore, it has been classified as a Variant of Uncertain Significance.

Illumina Laboratory Services, Illumina
Classification: Uncertain significance for Farber lipogranulomatosis. Last evaluated: 2018-01-12. Review status: criteria provided, single submitter. Criteria: ICSL Variant Classification Criteria 13 December 2019. Collection method: clinical testing. Allele origin: germline.

NM_177924.5(ASAH1):c.361G>A (p.Ala121Thr)

Gene: ASAH1 (N-acylsphingosine amidohydrolase 1; minus strand). Cytogenetic location: 8p22.
Variant type: single nucleotide variant.
Coding change: c.361G>A on transcript NM_177924.5 (MANE Select); coding-DNA position 361, G replaced by A.
Protein change: p.Ala121Thr; replaces alanine 121 with threonine.
Molecular consequence: missense variant.
Genome position (GRCh38, 1-based): chr8:18,067,241, C>T on the plus strand (G>A on the coding strand, the complement: ASAH1 is on the minus strand). VCF-style: chr8-18067241-C-T. GRCh37 (hg19) VCF-style: chr8-17924750-C-T.
Other names: c.409G>A, p.Ala137Thr (NM_004315.6); c.166G>A, p.Ala56Thr (NM_001363743.2); c.343G>A, p.Ala115Thr (NM_001127505.3); short protein forms A121T, A137T, A56T, A115T.
Identifiers: ClinVar variation 362382 (VCV000362382.16), dbSNP rs146531900, ClinGen allele CA4650903.
Genomic context (GRCh38, chr8:18,067,241, plus strand): 5'-TAATTACTTTTTTTTTTAAAGCTTCTAAGTGAACTTTACCTAAAGGTATATCAGTAACAG[C>T]GGCAATACCCTTCATTTCCTCTTCAAAAGGGCCAGGAAAGTTGCCAAGTAGGCCAGGCTG-3'
Protein context (NP_808592.2, residues 111-131): PFEEEMKGIA[Ala121Thr]VTDIPLGEII